The following is an entry in ClinVar:

ClinVar aggregate classification (germline): Uncertain significance (1 of 4 stars; one submission).

Conditions:
Kabuki syndrome. Also called: NIIKAWA-KUROKI SYNDROME; Kabuki make-up syndrome. Identifiers: Orphanet 2322, MedGen C0796004, MONDO:0016512.

Submission:

Labcorp Genetics (formerly Invitae), Labcorp
Classification: Uncertain significance for Kabuki syndrome. Last evaluated: 2024-11-19. Review status: criteria provided, single submitter. Criteria: Invitae Variant Classification Sherloc (09022015). Collection method: clinical testing. Allele origin: germline.
Comment: This sequence change replaces aspartic acid, which is acidic and polar, with glutamic acid, which is acidic and polar, at codon 1749 of the KMT2D protein (p.Asp1749Glu). This variant is not present in population databases (gnomAD no frequency). This variant has not been reported in the literature in individuals affected with KMT2D-related conditions. ClinVar contains an entry for this variant (Variation ID: 1345831). Invitae Evidence Modeling of protein sequence and biophysical properties (such as structural, functional, and spatial information, amino acid conservation, physicochemical variation, residue mobility, and thermodynamic stability) indicates that this missense variant is not expected to disrupt KMT2D protein function with a negative predictive value of 95%. In summary, the available evidence is currently insufficient to determine the role of this variant in disease. Therefore, it has been classified as a Variant of Uncertain Significance.

NM_003482.4(KMT2D):c.5247T>G (p.Asp1749Glu)

Gene: KMT2D (lysine methyltransferase 2D; minus strand). Cytogenetic location: 12q13.12.
Variant type: single nucleotide variant.
Coding change: c.5247T>G on transcript NM_003482.4 (MANE Select); coding-DNA position 5247, T replaced by G.
Protein change: p.Asp1749Glu; replaces aspartic acid 1749 with glutamic acid.
Molecular consequence: missense variant.
Genome position (GRCh38, 1-based): chr12:49,043,940, A>C on the plus strand (T>G on the coding strand, the complement: KMT2D is on the minus strand). VCF-style: chr12-49043940-A-C. GRCh37 (hg19) VCF-style: chr12-49437723-A-C.
Other names: short protein forms D1749E.
Identifiers: ClinVar variation 1345831 (VCV001345831.8), dbSNP rs2120575915, ClinGen allele CA384635044.
Genomic context (GRCh38, chr12:49,043,940, plus strand): 5'-AGGGAACATGTCCTCCAGTTTGCTCTTCTTGCGCCCTCGCCGCTGTTGCTTCTTCTTCTC[A>C]TCCCCTTCAGCTAAGCTCTGCTCCACGGCGCCCTCTGCAGGCAGGTCAGCAGGTATCACT-3'
Protein context (NP_003473.3, residues 1739-1759): GAVEQSLAEG[Asp1749Glu]EKKKQQRRGR